The following is an entry in ClinVar:

NM_152594.3(SPRED1):c.879G>A (p.Leu293=)

Gene: SPRED1 (sprouty related EVH1 domain containing 1; plus strand). Cytogenetic location: 15q14.
Variant type: single nucleotide variant.
Coding change: c.879G>A on transcript NM_152594.3 (MANE Select); coding-DNA position 879, G replaced by A.
Protein change: p.Leu293=; no amino-acid change (leucine 293 retained).
Molecular consequence: synonymous variant.
Genome position (GRCh38, 1-based): chr15:38,351,208, G>A. VCF-style: chr15-38351208-G-A. GRCh37 (hg19) VCF-style: chr15-38643409-G-A.
Identifiers: ClinVar variation 386548 (VCV000386548.21), dbSNP rs535687467, ClinGen allele CA7470196.

ClinVar aggregate classification (germline): Benign/Likely benign. Review status: criteria provided, multiple submitters, no conflicts (2 of 4 stars). 7 submissions from 7 submitters: Benign (3); Likely benign (3). 1 of the submissions does not count toward it. Last evaluated 2026-01-24.

Conditions:
SPRED1-related disorder. Also called: SPRED1-related condition.
Legius syndrome. Identifiers: Orphanet 137605, MedGen C1969623, MONDO:0012669, OMIM 611431. Disease mechanism: loss of function.
Noonan syndrome and Noonan-related syndrome. Identifiers: Orphanet 98733, MedGen C5681679, MONDO:0020297.
Cardiovascular phenotype. Identifiers: MedGen CN230736.

Allele frequency attached by ClinVar (database versions not stated): gnomAD 0.00002 and 0.00003; TOPMed 0.00006; ExAC 0.00013; 1000 Genomes Project 0.00040; 1000 Genomes Project 30x 0.00047.
gnomAD v4.1: 38 of 1,614,102 alleles (0.0024%); highest among the groups gnomAD compares: East Asian, 0.076%; no homozygotes.

Submissions (7):

Labcorp Genetics (formerly Invitae), Labcorp
Classification: Benign for Legius syndrome. Last evaluated: 2026-01-24. Review status: criteria provided, single submitter. Criteria: Invitae Variant Classification Sherloc (09022015). Collection method: clinical testing. Allele origin: germline.

Blueprint Genetics
Classification: Likely benign. Last evaluated: 2023-12-26. Review status: criteria provided, single submitter. Criteria: ACMG Guidelines, 2015. Collection method: clinical testing. Allele origin: germline.

Genome Diagnostics Laboratory, The Hospital for Sick Children
Classification: Benign for Noonan syndrome and Noonan-related syndrome. Last evaluated: 2021-04-29. Review status: criteria provided, single submitter. Criteria: ACMG Guidelines, 2015. Collection method: clinical testing. Allele origin: germline.

Women's Health and Genetics/Laboratory Corporation of America, LabCorp
Classification: Benign. Last evaluated: 2020-06-13. Review status: criteria provided, single submitter. Criteria: LabCorp Variant Classification Summary - May 2015. Collection method: clinical testing. Allele origin: germline.

Ambry Genetics
Classification: Likely benign for Cardiovascular phenotype. Last evaluated: 2019-12-30. Review status: criteria provided, single submitter. Criteria: Ambry Variant Classification Scheme 2023. Collection method: clinical testing. Allele origin: germline.

GeneDx
Classification: Likely benign. Last evaluated: 2016-05-25. Review status: criteria provided, single submitter. Criteria: GeneDx Variant Classification (06012015). Collection method: clinical testing. Allele origin: germline. Affected: yes.
Comment: This variant is considered likely benign or benign based on one or more of the following criteria: it is a conservative change, it occurs at a poorly conserved position in the protein, it is predicted to be benign by multiple in silico algorithms, and/or has population frequency not consistent with disease.

PreventionGenetics, part of Exact Sciences
Classification: Benign for SPRED1-related condition. Last evaluated: 2021-12-30. Review status: no assertion criteria provided. Collection method: clinical testing. Allele origin: germline. Not counted in ClinVar's aggregate classification.
Comment: This variant is classified as benign based on ACMG/AMP sequence variant interpretation guidelines (Richards et al. 2015 PMID: 25741868, with internal and published modifications).